The following is an entry in ClinVar:

NM_032447.5(FBN3):c.2014A>G (p.Ser672Gly)

Gene: FBN3 (fibrillin 3; minus strand). Cytogenetic location: 19p13.2.
Variant type: single nucleotide variant.
Coding change: c.2014A>G on transcript NM_032447.5 (MANE Select); coding-DNA position 2014, A replaced by G.
Protein change: p.Ser672Gly; replaces serine 672 with glycine.
Molecular consequence: missense variant.
Genome position (GRCh38, 1-based): chr19:8,131,265, T>C on the plus strand (A>G on the coding strand, the complement: FBN3 is on the minus strand). VCF-style: chr19-8131265-T-C. GRCh37 (hg19) VCF-style: chr19-8196149-T-C.
Other names: c.2014A>G, p.Ser672Gly (NM_001321431.2); short protein forms S672G.
Identifiers: ClinVar variation 3003421 (VCV003003421.3), dbSNP rs1796216134, ClinGen allele CA403704213.

ClinVar aggregate classification (germline): Uncertain significance (1 of 4 stars; one submission).

Allele frequency attached by ClinVar (database versions not stated): TOPMed below 0.00001; gnomAD exomes 0.00001.
gnomAD v4.1: 5 of 1,611,872 alleles (0.00031%); highest among the groups gnomAD compares: Non-Finnish European, 0.00042%; no homozygotes.

Submission:

Labcorp Genetics (formerly Invitae), Labcorp
Classification: Uncertain significance. Last evaluated: 2025-03-31. Review status: criteria provided, single submitter. Criteria: Invitae Variant Classification Sherloc (09022015). Collection method: clinical testing. Allele origin: germline.
Comment: This sequence change replaces serine, which is neutral and polar, with glycine, which is neutral and non-polar, at codon 672 of the FBN3 protein (p.Ser672Gly). This variant is not present in population databases (gnomAD no frequency). This variant has not been reported in the literature in individuals affected with FBN3-related conditions. ClinVar contains an entry for this variant (Variation ID: 3003421). Invitae Evidence Modeling of protein sequence and biophysical properties (such as structural, functional, and spatial information, amino acid conservation, physicochemical variation, residue mobility, and thermodynamic stability) indicates that this missense variant is not expected to disrupt FBN3 protein function with a negative predictive value of 80%. In summary, the available evidence is currently insufficient to determine the role of this variant in disease. Therefore, it has been classified as a Variant of Uncertain Significance.